The following is an entry in ClinVar:

ClinVar aggregate classification (germline): Likely pathogenic (1 of 4 stars; one submission).

Conditions:
Mucopolysaccharidosis, MPS-IV-A (MPS4A). Also called: Mucopolysaccharidosis type IV A; Mucopolysaccharidosis Type IVA; Morquio syndrome A, mild; MORQUIO SYNDROME A; MPS IVA; mucopolysaccharidosis type 4A. Identifiers: Orphanet 309297, Orphanet 582, MedGen C0086651, MONDO:0009659, OMIM 253000.

Allele frequency attached by ClinVar (database versions not stated): gnomAD exomes below 0.00001 and 0.00001.
gnomAD v4.1: 2 of 1,554,542 alleles (0.00013%); highest among the groups gnomAD compares: East Asian, 0.0024%; no homozygotes.

Submission:

Laboratory of Diagnosis and Therapy of Lysosomal Disorders, University of Padova
Classification: Likely pathogenic for Mucopolysaccharidosis, MPS-IV-A. Last evaluated: 2021-02-01. Review status: criteria provided, single submitter. Criteria: ACMG Guidelines, 2015. Collection method: curation. Allele origin: germline. Affected: yes.
Comment: Splicing site in canonical site (PVS1_strong); the prevalence of the variant in affected individuals is significantly increased compared with the prevalence in controls (PS4_moderate); very low frequency in gnomAD v2.1.1 (PM2_moderate)

Literature cited by the submitters: PubMed 30980944; PubMed 34387910.

NM_000512.5(GALNS):c.1483-1G>C

Gene: GALNS (galactosamine (N-acetyl)-6-sulfatase; minus strand). Cytogenetic location: 16q24.3.
Variant type: single nucleotide variant.
Coding change: c.1483-1G>C on transcript NM_000512.5 (MANE Select); the canonical splice acceptor site of the intron before coding-DNA position 1483, G replaced by C.
Molecular consequence: splice acceptor variant.
Genome position (GRCh38, 1-based): chr16:88,814,526, C>G on the plus strand (G>C on the coding strand, the complement: GALNS is on the minus strand). VCF-style: chr16-88814526-C-G. GRCh37 (hg19) VCF-style: chr16-88880934-C-G.
Other names: c.928-1G>C (NM_001323543.2); c.1501-1G>C (NM_001323544.2).
Identifiers: ClinVar variation 1048336 (VCV001048336.3), dbSNP rs1223848239, ClinGen allele CA397092734.